The following is an entry in ClinVar:

NM_012431.3(SEMA3E):c.396C>G (p.Thr132=)

Gene: SEMA3E (semaphorin 3E; minus strand). Cytogenetic location: 7q21.11.
Variant type: single nucleotide variant.
Coding change: c.396C>G on transcript NM_012431.3 (MANE Select); coding-DNA position 396, C replaced by G.
Protein change: p.Thr132=; no amino-acid change (threonine 132 retained).
Molecular consequence: synonymous variant.
Genome position (GRCh38, 1-based): chr7:83,466,542, G>C on the plus strand (C>G on the coding strand, the complement: SEMA3E is on the minus strand). VCF-style: chr7-83466542-G-C. GRCh37 (hg19) VCF-style: chr7-83095858-G-C.
Other names: c.216C>G, p.Thr72= (NM_001178129.2).
Identifiers: ClinVar variation 701288 (VCV000701288.9), dbSNP rs1584267738, ClinGen allele CA456141667.
Genomic context (GRCh38, chr7:83,466,542, plus strand): 5'-CTCCAAATGATATCCAACTCTGATGAAGGCACAAACTGGATCAAAAGCTCCAGTACCACA[G>C]GTCAGAAGGTGTGTCCTGTTATAGTGATGCAAAACCCGAACATAATTTGCACATTCACCC-3'
Protein context (NP_036563.1, residues 122-142): LHHYNRTHLL[Thr132=]CGTGAFDPVC

ClinVar aggregate classification (germline): Likely benign. Review status: criteria provided, multiple submitters, no conflicts (2 of 4 stars). 3 submissions from 3 submitters: Likely benign (2). 1 of the submissions does not count toward it. Last evaluated 2024-06-14.

Conditions:
SEMA3E-related disorder. Also called: SEMA3E-related condition.
CHARGE syndrome (CHARGE). Also called: Hittner Hirsch Kreh syndrome; CHARGE ASSOCIATION--COLOBOMA, HEART ANOMALY, CHOANAL ATRESIA, RETARDATION, GENITAL AND EAR ANOMALIES; Coloboma, heart anomaly, choanal atresia, retardation, genital and ear anomalies; CHARGE association; Hall-Hittner syndrome. Identifiers: Orphanet 138, MedGen C0265354, MONDO:0008965.

Allele frequency attached by ClinVar (database versions not stated): TOPMed below 0.00001.
gnomAD v4.1: 4 of 1,613,918 alleles (0.00025%); highest among the groups gnomAD compares: East Asian, 0.0022%; no homozygotes.

Submissions (3):

Labcorp Genetics (formerly Invitae), Labcorp
Classification: Likely benign for CHARGE syndrome. Last evaluated: 2024-06-14. Review status: criteria provided, single submitter. Criteria: Invitae Variant Classification Sherloc (09022015). Collection method: clinical testing. Allele origin: germline.

Blueprint Genetics
Classification: Likely benign. Last evaluated: 2024-05-24. Review status: criteria provided, single submitter. Criteria: ACMG Guidelines, 2015. Collection method: clinical testing. Allele origin: germline.

PreventionGenetics, part of Exact Sciences
Classification: Likely benign for SEMA3E-related condition. Last evaluated: 2023-10-22. Review status: no assertion criteria provided. Collection method: clinical testing. Allele origin: germline. Not counted in ClinVar's aggregate classification.
Comment: This variant is classified as likely benign based on ACMG/AMP sequence variant interpretation guidelines (Richards et al. 2015 PMID: 25741868, with internal and published modifications).